The following is an entry in ClinVar:

NM_003070.5:c.(-37+1_-36-1)_(3981+1_3982-1)del

Gene: SMARCA2 (SWI/SNF related BAF chromatin remodeling complex subunit ATPase 2; plus strand).
Variant type: Deletion.
Other names: c.(-37+1_-36-1)_(3981+1_3982-1)del (NM_003070.5).
Identifiers: ClinVar variation 4530576 (VCV004530576.2).

ClinVar aggregate classification (germline): Likely pathogenic (1 of 4 stars; one submission).

Conditions:
Blepharophimosis-impaired intellectual development syndrome. Identifiers: Orphanet 637013, MedGen C5443984, MONDO:0859139, OMIM 619293.

Submission:

Institute of Human Genetics, University of Leipzig Medical Center
Classification: Likely pathogenic for Blepharophimosis-impaired intellectual development syndrome. Last evaluated: 2025-10-01. Review status: criteria provided, single submitter. Criteria: ACMG Guidelines, 2015. Collection method: clinical testing. Allele origin: de novo. Inheritance: Autosomal dominant inheritance. Affected: yes.
Comment: Criteria applied: PVS1_MOD,PM2,PS2_MOD